The following is an entry in ClinVar:

NM_001164508.2(NEB):c.15138G>C (p.Gln5046His)

Gene: NEB (nebulin; minus strand). Cytogenetic location: 2q23.3.
Variant type: single nucleotide variant.
Coding change: c.15138G>C on transcript NM_001164508.2 (MANE Select); coding-DNA position 15138, G replaced by C.
Protein change: p.Gln5046His; replaces glutamine 5046 with histidine.
Molecular consequence: missense variant. On other transcripts: intron variant (1).
Genome position (GRCh38, 1-based): chr2:151,589,997, C>G on the plus strand (G>C on the coding strand, the complement: NEB is on the minus strand). VCF-style: chr2-151589997-C-G. GRCh37 (hg19) VCF-style: chr2-152446511-C-G.
Other names: c.15138G>C, p.Gln5046His (NM_001164507.2, NM_001271208.2); c.11602-13643G>C (NM_004543.5); short protein forms Q5046H.
Identifiers: ClinVar variation 382739 (VCV000382739.1), dbSNP rs1057521439, ClinGen allele CA16603956.
Genomic context (GRCh38, chr2:151,589,997, plus strand): 5'-GTCGGGAAAGCAAGACCAGTGGTGCAGGTAATGGCGATAGTCCACATCACTTGCCAGTGC[C>G]TGACCTTCTTTGGCAGCGCTGATGGACACCATGTCCACAGGGATGGAGATCTTGGCTTTG-3'
Protein context (NP_001157980.2, residues 5036-5056): MVSISAAKEG[Gln5046His]ALASDVDYRH

ClinVar aggregate classification (germline): Likely benign (1 of 4 stars; one submission).

Submission:

GeneDx
Classification: Likely benign. Last evaluated: 2017-11-06. Review status: criteria provided, single submitter. Criteria: GeneDx Variant Classification (06012015). Collection method: clinical testing. Allele origin: germline. Affected: yes.
Comment: This variant is considered likely benign or benign based on one or more of the following criteria: it is a conservative change, it occurs at a poorly conserved position in the protein, it is predicted to be benign by multiple in silico algorithms, and/or has population frequency not consistent with disease.